The following is an entry in ClinVar:

ClinVar aggregate classification (germline): Conflicting classifications of pathogenicity. Review status: criteria provided, conflicting classifications (1 of 4 stars). 4 submissions from 4 submitters: Uncertain significance (3); Likely benign (1). Last evaluated 2025-07-10.

Conditions:
Intellectual disability. Also called: Intellectual developmental disorder; intellectual disabilities; Intellectual functioning disability. Identifiers: MedGen C3714756, MeSH D008607, MONDO:0001071, HP:0001249.

Allele frequency attached by ClinVar (database versions not stated): gnomAD exomes 0.00003; ExAC 0.00016.
gnomAD v4.1: 70 of 1,548,684 alleles (0.0045%); highest among the groups gnomAD compares: East Asian, 0.0073%; no homozygotes.

Submissions (4):

GeneDx
Classification: Uncertain significance. Last evaluated: 2025-07-10. Review status: criteria provided, single submitter. Criteria: GeneDx Variant Classification Process June 2021. Collection method: clinical testing. Allele origin: germline. Affected: yes.
Comment: In silico analysis supports a deleterious effect on splicing; Has not been previously published as pathogenic or benign to our knowledge

Blueprint Genetics
Classification: Likely benign. Last evaluated: 2024-03-08. Review status: criteria provided, single submitter. Criteria: ACMG Guidelines, 2015. Collection method: clinical testing. Allele origin: germline.

Labcorp Genetics (formerly Invitae), Labcorp
Classification: Uncertain significance. Last evaluated: 2022-08-16. Review status: criteria provided, single submitter. Criteria: Invitae Variant Classification Sherloc (09022015). Collection method: clinical testing. Allele origin: germline.
Comment: This sequence change affects codon 3104 of the UNC80 mRNA. It is a 'silent' change, meaning that it does not change the encoded amino acid sequence of the UNC80 protein. This variant is present in population databases (rs756716727, gnomAD 0.007%). This variant has not been reported in the literature in individuals affected with UNC80-related conditions. ClinVar contains an entry for this variant (Variation ID: 1408814). Algorithms developed to predict the effect of sequence changes on RNA splicing suggest that this variant may disrupt the consensus splice site. In summary, the available evidence is currently insufficient to determine the role of this variant in disease. Therefore, it has been classified as a Variant of Uncertain Significance.

Cambridge Genomics Laboratory, East Genomic Laboratory Hub, NHS Genomic Medicine Service
Classification: Uncertain significance for Intellectual disability. Last evaluated: 2019-08-08. Review status: criteria provided, single submitter. Criteria: ACGS Best Practice Guidelines for Variant Classification in Rare Disease 2020. Collection method: clinical testing. Allele origin: germline. Affected: yes. Observed: 1 variant allele.

NM_001371986.1(UNC80):c.9510G>A (p.Ala3170=)

Gene: UNC80 (unc-80 subunit of NALCN channel complex; plus strand). Cytogenetic location: 2q34.
Variant type: single nucleotide variant.
Coding change: c.9510G>A on transcript NM_001371986.1 (MANE Select); coding-DNA position 9510, G replaced by A.
Protein change: p.Ala3170=; no amino-acid change (alanine 3170 retained).
Molecular consequence: synonymous variant.
Genome position (GRCh38, 1-based): chr2:209,994,066, G>A. VCF-style: chr2-209994066-G-A. GRCh37 (hg19) VCF-style: chr2-210858790-G-A.
Other names: c.9312G>A, p.Ala3104= (NM_032504.2); c.9240G>A, p.Ala3080= (NM_182587.4); c.9312G>A (NM_032504.1).
Identifiers: ClinVar variation 1408814 (VCV001408814.6), dbSNP rs756716727, ClinGen allele CA2083689.